The following is an entry in ClinVar:

NM_001102401.4(TTI2):c.693del (p.Ser230_Trp231insTer)

Gene: TTI2 (TELO2 interacting protein 2; minus strand). Cytogenetic location: 8p12.
Variant type: Deletion.
Coding change: c.693del on transcript NM_001102401.4 (MANE Select); coding-DNA position 693, one base deleted (G; older notation c.693delG).
Protein change: p.Ser230_Trp231insTer.
Molecular consequence: nonsense.
Genome position (GRCh38, 1-based): chr8:33,509,887, C deleted on the plus strand (G on the coding strand, the reverse complement: TTI2 is on the minus strand); the first of 2 consecutive C bases (chr8:33,509,887-33,509,888); deleting either gives the same sequence. VCF-style (leftmost placement, unchanged base first): chr8-33509886-TC-T. GRCh37 (hg19) VCF-style: chr8-33367404-TC-T.
Other names: c.693del, p.Ser230_Trp231insTer (NM_001265581.2, NM_001330505.3, NM_001440381.1 and 1 more transcripts).
Identifiers: ClinVar variation 4193429 (VCV004193429.1).

ClinVar aggregate classification (germline): Pathogenic (1 of 4 stars; one submission).

Conditions:
Inborn genetic diseases. Identifiers: MedGen C0950123, MeSH D030342.

Submission:

Ambry Genetics
Classification: Pathogenic for Inborn genetic diseases. Last evaluated: 2025-09-05. Review status: criteria provided, single submitter. Criteria: Ambry Variant Classification Scheme 2023. Collection method: clinical testing. Allele origin: germline.
Comment: The c.693delG (p.W231*) alteration, located in exon 2 (coding exon 2) of the TTI2 gene, consists of a deletion of one nucleotide at position 693, causing a translational frameshift with a predicted alternate stop codon after amino acids. This alteration is expected to result in loss of function by premature protein truncation or nonsense-mediated mRNA decay. This variant was not reported in population-based cohorts in the Genome Aggregation Database (gnomAD). Based on the available evidence, this alteration is classified as pathogenic.